The following is an entry in ClinVar:

NM_005157.6(ABL1):c.910G>A (p.Val304Ile)

Gene: ABL1 (ABL proto-oncogene 1, non-receptor tyrosine kinase; plus strand). Cytogenetic location: 9q34.12.
Variant type: single nucleotide variant.
Coding change: c.910G>A on transcript NM_005157.6 (MANE Select); coding-DNA position 910, G replaced by A.
Protein change: p.Val304Ile; replaces valine 304 with isoleucine.
Molecular consequence: missense variant.
Genome position (GRCh38, 1-based): chr9:130,872,862, G>A. VCF-style: chr9-130872862-G-A. GRCh37 (hg19) VCF-style: chr9-133748249-G-A.
Other names: c.967G>A, p.Val323Ile (NM_007313.3); short protein forms V304I, V323I.
Identifiers: ClinVar variation 4772279 (VCV004772279.2).

ClinVar aggregate classification (germline): Uncertain significance. Review status: criteria provided, multiple submitters, no conflicts (2 of 4 stars). 2 submissions from 2 submitters: Uncertain significance (2). Last evaluated 2025-08-06.

gnomAD v4.1: 3 of 1,609,932 alleles (0.00019%); highest among the groups gnomAD compares: Non-Finnish European, 0.00025%; no homozygotes.

Submissions (2):

Labcorp Genetics (formerly Invitae), Labcorp
Classification: Uncertain significance. Last evaluated: 2025-08-06. Review status: criteria provided, single submitter. Criteria: Invitae Variant Classification Sherloc (09022015). Collection method: clinical testing. Allele origin: germline.
Comment: This sequence change replaces valine, which is neutral and non-polar, with isoleucine, which is neutral and non-polar, at codon 323 of the ABL1 protein (p.Val323Ile). This variant is present in population databases (rs767746890, gnomAD 0.002%). This variant has not been reported in the literature in individuals affected with ABL1-related conditions. An algorithm developed to predict the effect of missense changes on protein structure and function (PolyPhen-2) suggests that this variant is likely to be disruptive. In summary, the available evidence is currently insufficient to determine the role of this variant in disease. Therefore, it has been classified as a Variant of Uncertain Significance.

Blueprint Genetics
Classification: Uncertain significance. Last evaluated: 2022-06-15. Review status: criteria provided, single submitter. Criteria: ACMG Guidelines, 2015. Collection method: clinical testing. Allele origin: germline.